The following is an entry in ClinVar:

ClinVar aggregate classification (germline): Uncertain significance. Review status: criteria provided, multiple submitters, no conflicts (2 of 4 stars). 2 submissions from 2 submitters: Uncertain significance (2). Last evaluated 2022-01-18.

Conditions:
Congenital myasthenic syndrome 17. Identifiers: Orphanet 590, MedGen C4225377, MONDO:0014578, OMIM 616304.
Sclerosteosis 2 (SOST2). Identifiers: Orphanet 3152, MedGen C3280402, MONDO:0013679, OMIM 614305.
Cenani-Lenz syndactyly syndrome. Also called: CENANI SYNDACTYLISM; SYNDACTYLY, TYPE VII. Identifiers: Orphanet 3258, MedGen C1859309, MONDO:0008931, OMIM 212780.

Allele frequency attached by ClinVar (database versions not stated): TOPMed 0.00001; ExAC 0.00002; gnomAD 0.00003.
gnomAD v4.1: 16 of 1,613,686 alleles (0.00099%); highest among the groups gnomAD compares: Middle Eastern, 0.017%; no homozygotes.

Submissions (2):

Fulgent Genetics
Classification: Uncertain significance for Cenani-Lenz syndactyly syndrome; Sclerosteosis 2; Congenital myasthenic syndrome 17. Last evaluated: 2022-01-18. Review status: criteria provided, single submitter. Criteria: ACMG Guidelines, 2015. Collection method: clinical testing. Allele origin: unknown.

Labcorp Genetics (formerly Invitae), Labcorp
Classification: Uncertain significance for Syndactyly Cenani Lenz type; Sclerosteosis 2; Myasthenic syndrome, congenital, 17. Last evaluated: 2018-07-26. Review status: criteria provided, single submitter. Criteria: Invitae Variant Classification Sherloc (09022015). Collection method: clinical testing. Allele origin: germline.
Comment: This sequence change replaces arginine with tryptophan at codon 350 of the LRP4 protein (p.Arg350Trp). The arginine residue is highly conserved and there is a moderate physicochemical difference between arginine and tryptophan. This variant is present in population databases (rs368744612, ExAC 0.006%). This variant has not been reported in the literature in individuals with LRP4-related disease. Algorithms developed to predict the effect of missense changes on protein structure and function are either unavailable or do not agree on the potential impact of this missense change (SIFT: "Deleterious"; PolyPhen-2: "Probably Damaging"; Align-GVGD: "Class C0"). In summary, the available evidence is currently insufficient to determine the role of this variant in disease. Therefore, it has been classified as a Variant of Uncertain Significance.

NM_002334.4(LRP4):c.1048C>T (p.Arg350Trp)

Gene: LRP4 (LDL receptor related protein 4; minus strand). Cytogenetic location: 11p11.2.
Variant type: single nucleotide variant.
Coding change: c.1048C>T on transcript NM_002334.4 (MANE Select); coding-DNA position 1048, C replaced by T.
Protein change: p.Arg350Trp; replaces arginine 350 with tryptophan.
Molecular consequence: missense variant.
Genome position (GRCh38, 1-based): chr11:46,896,210, G>A on the plus strand (C>T on the coding strand, the complement: LRP4 is on the minus strand). VCF-style: chr11-46896210-G-A. GRCh37 (hg19) VCF-style: chr11-46917761-G-A.
Other names: short protein forms R350W.
Identifiers: ClinVar variation 651503 (VCV000651503.2), dbSNP rs368744612, ClinGen allele CA5970295.